The following is an entry in ClinVar:

ClinVar aggregate classification (germline): Uncertain significance (1 of 4 stars; one submission).

Submission:

Labcorp Genetics (formerly Invitae), Labcorp
Classification: Uncertain significance. Last evaluated: 2022-01-26. Review status: criteria provided, single submitter. Criteria: Invitae Variant Classification Sherloc (09022015). Collection method: clinical testing. Allele origin: germline.
Comment: A copy number gain of the genomic region encompassing the full coding sequence of the TNFRSF11B gene has been identified. The boundaries of this event are unknown as they extend beyond the assayed region for this gene and therefore may encompass additional genes. As the precise location of this event is unknown, it may be in tandem or it may be located elsewhere in the genome. This variant has not been reported in the literature in individuals affected with TNFRSF11B-related conditions. Experimental studies and prediction algorithms are not available or were not evaluated, and the functional significance of this variant is currently unknown. In summary, the available evidence is currently insufficient to determine the role of this variant in disease. Therefore, it has been classified as a Variant of Uncertain Significance.

NC_000008.10:g.(?_118811951)_(120844804_?)dup

Genes: CCN3 (cellular communication network factor 3; plus strand), COLEC10 (collectin subfamily member 10; plus strand), ENPP2 (ectonucleotide pyrophosphatase/phosphodiesterase 2; minus strand), EXT1 (exostosin glycosyltransferase 1; minus strand), MAL2 (mal, T cell differentiation protein 2; plus strand) and 3 more. Cytogenetic location: 8q24.11-24.12.
Variant type: Duplication.
Identifiers: ClinVar variation 2424479 (VCV002424479.3).